The following is an entry in ClinVar:

NM_004629.2(FANCG):c.764G>A (p.Cys255Tyr)

Gene: FANCG (FA complementation group G; minus strand). Cytogenetic location: 9p13.3.
Variant type: single nucleotide variant.
Coding change: c.764G>A on transcript NM_004629.2 (MANE Select); coding-DNA position 764, G replaced by A.
Protein change: p.Cys255Tyr; replaces cysteine 255 with tyrosine.
Molecular consequence: missense variant.
Genome position (GRCh38, 1-based): chr9:35,076,984, C>T on the plus strand (G>A on the coding strand, the complement: FANCG is on the minus strand). VCF-style: chr9-35076984-C-T. GRCh37 (hg19) VCF-style: chr9-35076981-C-T.
Other names: short protein forms C255Y.
Identifiers: ClinVar variation 2175454 (VCV002175454.3), dbSNP rs2131056414, ClinGen allele CA373313412.
Genomic context (GRCh38, chr9:35,076,984, plus strand): 5'-TACATAATGCTTGTGGTTTCCCCAATCCACCCTAGGACTGTCTTTACCATCTTACGGTGA[C>T]AGGACCCCAGTGCTGTGTACACCTGGACCAACACAGGCCGTGGACACAGGCCTGAGGCCG-3'
Protein context (NP_004620.1, residues 245-265): LVQVYTALGS[Cys255Tyr]HRKMGNPQRA

ClinVar aggregate classification (germline): Uncertain significance. Review status: criteria provided, multiple submitters, no conflicts (2 of 4 stars). 3 submissions from 3 submitters: Uncertain significance (3). Last evaluated 2025-01-11.

Conditions:
Fanconi anemia complementation group G. Also called: FANCG-Related Fanconi Anemia; Fanconi anemia group G. Identifiers: Orphanet 84, MedGen C3469527, MONDO:0013565, OMIM 614082.
Fanconi anemia (FA). Also called: Fanconi's anemia. Identifiers: Orphanet 84, MedGen C0015625, MeSH D005199, MONDO:0019391.
Inborn genetic diseases. Identifiers: MedGen C0950123, MeSH D030342.

Submissions (3):

Ambry Genetics
Classification: Uncertain significance for Inborn genetic diseases. Last evaluated: 2025-01-11. Review status: criteria provided, single submitter. Criteria: Ambry Variant Classification Scheme 2023. Collection method: clinical testing. Allele origin: germline.
Comment: The p.C255Y variant (also known as c.764G>A), located in coding exon 6 of the FANCG gene, results from a G to A substitution at nucleotide position 764. The cysteine at codon 255 is replaced by tyrosine, an amino acid with highly dissimilar properties. This amino acid position is conserved. In addition, the in silico prediction for this alteration is inconclusive. Based on the available evidence, the clinical significance of this variant remains unclear.

Fulgent Genetics
Classification: Uncertain significance for Fanconi anemia complementation group G. Last evaluated: 2024-05-10. Review status: criteria provided, single submitter. Criteria: ACMG Guidelines, 2015. Collection method: clinical testing. Allele origin: germline.

Labcorp Genetics (formerly Invitae), Labcorp
Classification: Uncertain significance for Fanconi anemia. Last evaluated: 2021-09-01. Review status: criteria provided, single submitter. Criteria: Invitae Variant Classification Sherloc (09022015). Collection method: clinical testing. Allele origin: germline.
Comment: This sequence change replaces cysteine with tyrosine at codon 255 of the FANCG protein (p.Cys255Tyr). The cysteine residue is highly conserved and there is a large physicochemical difference between cysteine and tyrosine. This variant is not present in population databases (ExAC no frequency). This variant has not been reported in the literature in individuals affected with FANCG-related conditions. Algorithms developed to predict the effect of missense changes on protein structure and function are either unavailable or do not agree on the potential impact of this missense change (SIFT: "Deleterious"; PolyPhen-2: "Probably Damaging"; Align-GVGD: "Class C0"). In summary, the available evidence is currently insufficient to determine the role of this variant in disease. Therefore, it has been classified as a Variant of Uncertain Significance.